The following is an entry in ClinVar:

ClinVar aggregate classification (germline): Likely benign. Review status: criteria provided, multiple submitters, no conflicts (2 of 4 stars). 2 submissions from 2 submitters: Likely benign (2). Last evaluated 2025-10-01.

Conditions:
COG5-congenital disorder of glycosylation. Also called: CONGENITAL DISORDER OF GLYCOSYLATION, TYPE IIi; CDG IIi; COG5-CDG. Identifiers: Orphanet 263487, MedGen C3150876, MONDO:0013325, OMIM 613612.

Allele frequency attached by ClinVar (database versions not stated): gnomAD exomes below 0.00001; gnomAD 0.00001; TOPMed 0.00006.
gnomAD v4.1: 14 of 1,597,482 alleles (0.00088%); highest among the groups gnomAD compares: Admixed American, 0.0034%; no homozygotes.

Submissions (2):

Labcorp Genetics (formerly Invitae), Labcorp
Classification: Likely benign for COG5-congenital disorder of glycosylation. Last evaluated: 2025-10-01. Review status: criteria provided, single submitter. Criteria: Invitae Variant Classification Sherloc (09022015). Collection method: clinical testing. Allele origin: germline.

GeneDx
Classification: Likely benign. Last evaluated: 2016-04-25. Review status: criteria provided, single submitter. Criteria: GeneDx Variant Classification (06012015). Collection method: clinical testing. Allele origin: germline. Affected: yes.
Comment: This variant is considered likely benign or benign based on one or more of the following criteria: it is a conservative change, it occurs at a poorly conserved position in the protein, it is predicted to be benign by multiple in silico algorithms, and/or has population frequency not consistent with disease.

NM_006348.5(COG5):c.1749+7G>A

Gene: COG5 (component of oligomeric golgi complex 5; minus strand). Cytogenetic location: 7q22.3.
Variant type: single nucleotide variant.
Coding change: c.1749+7G>A on transcript NM_006348.5 (MANE Select); 7 bases into the intron after coding-DNA position 1749, G replaced by A.
Molecular consequence: intron variant.
Genome position (GRCh38, 1-based): chr7:107,256,725, C>T on the plus strand (G>A on the coding strand, the complement: COG5 is on the minus strand). VCF-style: chr7-107256725-C-T. GRCh37 (hg19) VCF-style: chr7-106897170-C-T.
Other names: c.1587+7G>A (NM_001379511.1); c.1035+7G>A (NM_001379516.1); c.1179+7G>A (NM_001379515.1); c.1576-8226G>A (NM_001379512.1); c.1686+1548G>A (NM_181733.4); c.1749+7G>A (NM_001379514.1, NM_001379513.1, NM_001161520.2).
Identifiers: ClinVar variation 384850 (VCV000384850.8), dbSNP rs906116599, ClinGen allele CA16605201.
Genomic context (GRCh38, chr7:107,256,725, plus strand): 5'-CCACTCAGCAAAACAAATAATCCTAAAACCACTTTGATCTATAGAGTCAAAGATTAAATT[C>T]TTTTACCTTTAGAGCTGAAATTATAGTTTGCTCAGCTGCCAGTGGGAATGAGCTCTGACT-3'